The following is an entry in ClinVar:

NM_000081.4(LYST):c.9529A>C (p.Thr3177Pro)

Gene: LYST (lysosomal trafficking regulator; minus strand). Cytogenetic location: 1q42.3.
Variant type: single nucleotide variant.
Coding change: c.9529A>C on transcript NM_000081.4 (MANE Select); coding-DNA position 9529, A replaced by C.
Protein change: p.Thr3177Pro; replaces threonine 3177 with proline.
Molecular consequence: missense variant.
Genome position (GRCh38, 1-based): chr1:235,720,692, T>G on the plus strand (A>C on the coding strand, the complement: LYST is on the minus strand). VCF-style: chr1-235720692-T-G. GRCh37 (hg19) VCF-style: chr1-235883992-T-G.
Other names: c.9529A>C, p.Thr3177Pro (NM_001301365.1); short protein forms T3177P.
Identifiers: ClinVar variation 649252 (VCV000649252.5), dbSNP rs2527448451, ClinGen allele CA344942575.

ClinVar aggregate classification (germline): Uncertain significance (1 of 4 stars; one submission).

Conditions:
Chédiak-Higashi syndrome (CHS). Also called: Chediak-Higashi Syndrome. Identifiers: Orphanet 167, MedGen C0007965, MONDO:0008963, OMIM 214500.

Submission:

Labcorp Genetics (formerly Invitae), Labcorp
Classification: Uncertain significance for Chédiak-Higashi syndrome. Last evaluated: 2018-09-18. Review status: criteria provided, single submitter. Criteria: Invitae Variant Classification Sherloc (09022015). Collection method: clinical testing. Allele origin: germline.
Comment: This sequence change replaces threonine with proline at codon 3177 of the LYST protein (p.Thr3177Pro). The threonine residue is moderately conserved and there is a small physicochemical difference between threonine and proline. This variant is not present in population databases (ExAC no frequency). This variant has not been reported in the literature in individuals with LYST-related disease. Algorithms developed to predict the effect of missense changes on protein structure and function are either unavailable or do not agree on the potential impact of this missense change (SIFT: "Deleterious"; PolyPhen-2: "Possibly Damaging"; Align-GVGD: "Class C0"). In summary, the available evidence is currently insufficient to determine the role of this variant in disease. Therefore, it has been classified as a Variant of Uncertain Significance.